The following is an entry in ClinVar:

ClinVar aggregate classification (germline): Pathogenic (1 of 4 stars; one submission).

Conditions:
Hereditary spastic paraplegia 11. Also called: Spastic paraplegia, mental retardation and thin corpus callosum; Spastic Paraplegia 11; Nakamura Osame syndrome; Autosomal recessive hereditary spastic paraplegia, mental impairment, and thin corpus callosum; SPASTIC PARAPLEGIA, AUTOSOMAL RECESSIVE, COMPLICATED, WITH THIN CORPUS CALLOSUM; SPASTIC PARAPLEGIA, AUTOSOMAL RECESSIVE, WITH MENTAL IMPAIRMENT AND THIN CORPUS CALLOSUM. Identifiers: Orphanet 2822, MedGen C1858479, MONDO:0011445, OMIM 604360.

Submission:

Labcorp Genetics (formerly Invitae), Labcorp
Classification: Pathogenic for Hereditary spastic paraplegia 11. Last evaluated: 2022-06-13. Review status: criteria provided, single submitter. Criteria: Invitae Variant Classification Sherloc (09022015). Collection method: clinical testing. Allele origin: germline.
Comment: For these reasons, this variant has been classified as Pathogenic. This variant has not been reported in the literature in individuals affected with SPG11-related conditions. This variant is not present in population databases (gnomAD no frequency). This sequence change creates a premature translational stop signal (p.Thr2088Leufs*9) in the SPG11 gene. It is expected to result in an absent or disrupted protein product. Loss-of-function variants in SPG11 are known to be pathogenic (PMID: 19105190, 20110243, 22154821, 26556829).

Literature cited by the submitters: PubMed 19105190; PubMed 20110243; PubMed 22154821; PubMed 26556829.

NM_025137.4(SPG11):c.6261del (p.Thr2088fs)

Gene: SPG11 (SPG11 vesicle trafficking associated, spatacsin; minus strand). Cytogenetic location: 15q21.1.
Variant type: Deletion.
Coding change: c.6261del on transcript NM_025137.4 (MANE Select); coding-DNA position 6261, one base deleted (C; older notation c.6261delC).
Protein change: p.Thr2088fs; shifts the reading frame from threonine 2088.
Molecular consequence: frameshift variant.
Genome position (GRCh38, 1-based): chr15:44,572,765, G deleted on the plus strand (C on the coding strand, the reverse complement: SPG11 is on the minus strand); the first of 2 consecutive G bases (chr15:44,572,765-44,572,766); deleting either gives the same sequence. VCF-style (leftmost placement, unchanged base first): chr15-44572764-TG-T. GRCh37 (hg19) VCF-style: chr15-44864962-TG-T.
Other names: c.5922del, p.Thr1975fs (NM_001160227.2); short protein forms T1975fs, T2088fs.
Identifiers: ClinVar variation 1374191 (VCV001374191.6), dbSNP rs2140927039, ClinGen allele CA2573150872.